The following is an entry in ClinVar:

NM_000057.4(BLM):c.3061A>G (p.Asn1021Asp)

Gene: BLM (BLM RecQ like helicase; plus strand). Cytogenetic location: 15q26.1.
Variant type: single nucleotide variant.
Coding change: c.3061A>G on transcript NM_000057.4 (MANE Select); coding-DNA position 3061, A replaced by G.
Protein change: p.Asn1021Asp; replaces asparagine 1021 with aspartic acid.
Molecular consequence: missense variant.
Genome position (GRCh38, 1-based): chr15:90,794,208, A>G. VCF-style: chr15-90794208-A-G. GRCh37 (hg19) VCF-style: chr15-91337438-A-G.
Other names: c.3061A>G (LRG_20t1); c.3061A>G, p.Asn1021Asp (NM_001287246.2, NM_001287247.2); c.1936A>G, p.Asn646Asp (NM_001287248.2); short protein forms N1021D, N646D.
Identifiers: ClinVar variation 485345 (VCV000485345.16), dbSNP rs374105075, ClinGen allele CA274767385.

ClinVar aggregate classification (germline): Uncertain significance. Review status: criteria provided, multiple submitters, no conflicts (2 of 4 stars). 3 submissions from 3 submitters: Uncertain significance (2). 1 of the submissions does not count toward it. Last evaluated 2025-08-03.

Conditions:
Bloom syndrome (BLM). Also called: Bloom-Torre-Machacek syndrome. Identifiers: Orphanet 125, MedGen C0005859, MONDO:0008876, OMIM 210900.
Hereditary cancer-predisposing syndrome. Also called: Neoplastic Syndromes, Hereditary; Tumor predisposition; Hereditary Cancer Syndrome; Hereditary neoplastic syndrome. Identifiers: Orphanet 140162, MedGen C0027672, MeSH D009386, MONDO:0015356.

Allele frequency attached by ClinVar (database versions not stated): gnomAD exomes 0.00001; TOPMed 0.00001; ESP Exome Variant Server 0.00008.
gnomAD v4.1: 6 of 1,606,402 alleles (0.00037%); highest among the groups gnomAD compares: Non-Finnish European, 0.00043%; no homozygotes.

Submissions (3):

Labcorp Genetics (formerly Invitae), Labcorp
Classification: Uncertain significance for Bloom syndrome. Last evaluated: 2025-08-03. Review status: criteria provided, single submitter. Criteria: Invitae Variant Classification Sherloc (09022015). Collection method: clinical testing. Allele origin: germline.
Comment: This sequence change replaces asparagine, which is neutral and polar, with aspartic acid, which is acidic and polar, at codon 1021 of the BLM protein (p.Asn1021Asp). This variant is not present in population databases (gnomAD no frequency). This variant has not been reported in the literature in individuals affected with BLM-related conditions. ClinVar contains an entry for this variant (Variation ID: 485345). Invitae Evidence Modeling of protein sequence and biophysical properties (such as structural, functional, and spatial information, amino acid conservation, physicochemical variation, residue mobility, and thermodynamic stability) indicates that this missense variant is not expected to disrupt BLM protein function with a negative predictive value of 80%. In summary, the available evidence is currently insufficient to determine the role of this variant in disease. Therefore, it has been classified as a Variant of Uncertain Significance.

Ambry Genetics
Classification: Uncertain significance for Hereditary cancer-predisposing syndrome. Last evaluated: 2023-12-14. Review status: criteria provided, single submitter. Criteria: Ambry Variant Classification Scheme 2023. Collection method: clinical testing. Allele origin: germline.
Comment: The p.N1021D variant (also known as c.3061A>G), located in coding exon 15 of the BLM gene, results from an A to G substitution at nucleotide position 3061. The asparagine at codon 1021 is replaced by aspartic acid, an amino acid with highly similar properties. This amino acid position is highly conserved in available vertebrate species. In addition, this alteration is predicted to be tolerated by in silico analysis. Since supporting evidence is limited at this time, the clinical significance of this alteration remains unclear.

Natera, Inc.
Classification: Uncertain significance for Bloom syndrome. Last evaluated: 2020-03-12. Review status: no assertion criteria provided. Collection method: clinical testing. Allele origin: germline. Not counted in ClinVar's aggregate classification.